The following is an entry in ClinVar:

ClinVar aggregate classification (germline): Uncertain significance (1 of 4 stars; one submission).

Conditions:
Multiple acyl-CoA dehydrogenase deficiency (MADD). Also called: ETHYLMALONIC-ADIPICACIDURIA; GA II; Glutaric aciduria, type 2; Glutaric acidemia type II; GA 2; Glutaric Acidemia type 2. Identifiers: Orphanet 26791, MedGen C0268596, MONDO:0009282, OMIM 231680.

Allele frequency attached by ClinVar (database versions not stated): gnomAD exomes below 0.00001; TOPMed below 0.00001.
gnomAD v4.1: 2 of 1,605,948 alleles (0.00012%); highest among the groups gnomAD compares: Non-Finnish European, 0.000085%; no homozygotes.

Submission:

Labcorp Genetics (formerly Invitae), Labcorp
Classification: Uncertain significance for Multiple acyl-CoA dehydrogenase deficiency. Last evaluated: 2022-03-08. Review status: criteria provided, single submitter. Criteria: Invitae Variant Classification Sherloc (09022015). Collection method: clinical testing. Allele origin: germline.
Comment: This variant has not been reported in the literature in individuals affected with ETFDH-related conditions. This variant is not present in population databases (gnomAD no frequency). This sequence change replaces phenylalanine, which is neutral and non-polar, with isoleucine, which is neutral and non-polar, at codon 16 of the ETFDH protein (p.Phe16Ile). Advanced modeling of protein sequence and biophysical properties (such as structural, functional, and spatial information, amino acid conservation, physicochemical variation, residue mobility, and thermodynamic stability) performed at Invitae indicates that this missense variant is not expected to disrupt ETFDH protein function. In summary, the available evidence is currently insufficient to determine the role of this variant in disease. Therefore, it has been classified as a Variant of Uncertain Significance.

NM_004453.4(ETFDH):c.46T>A (p.Phe16Ile)

Gene: ETFDH (electron transfer flavoprotein dehydrogenase; plus strand). Cytogenetic location: 4q32.1.
Variant type: single nucleotide variant.
Coding change: c.46T>A on transcript NM_004453.4 (MANE Select); coding-DNA position 46, T replaced by A.
Protein change: p.Phe16Ile; replaces phenylalanine 16 with isoleucine.
Molecular consequence: missense variant. On other transcripts: intron variant (1).
Genome position (GRCh38, 1-based): chr4:158,680,478, T>A. VCF-style: chr4-158680478-T-A. GRCh37 (hg19) VCF-style: chr4-159601630-T-A.
Other names: c.35-1717T>A (NM_001281737.2); short protein forms F16I.
Identifiers: ClinVar variation 1984863 (VCV001984863.4), dbSNP rs1773824354, ClinGen allele CA358573270.
Genomic context (GRCh38, chr4:158,680,478, plus strand): 5'-AGGAAAACTAATTTTAAGGAAGATAATAATTTTCGTAATTTTTGTGCAGCATATCAGTGC[T>A]TTCATGCCTTAAAAATTAAGAAAAATTATCTACCTCTATGTGCTACAAGATGGTCTTCAA-3'
Protein context (NP_004444.2, residues 6-26): AKLSCLAYQC[Phe16Ile]HALKIKKNYL